The following is an entry in ClinVar:

ClinVar aggregate classification (germline): Likely benign. Review status: reviewed by expert panel (3 of 4 stars). 4 submissions from 4 submitters: Likely benign (1). 3 of the submissions do not count toward it. Last evaluated 2024-09-11.

Conditions:
Inborn genetic diseases. Identifiers: MedGen C0950123, MeSH D030342.
Acute myeloid leukemia (AML). Also called: Leukemia, acute myeloid, somatic; Leukemia, acute myelogenous, somatic; Acute myeloid leukemia, adult; AML adult; Acute non-lymphocytic leukemia; Acute granulocytic leukemia. Identifiers: Orphanet 519, MedGen C0023467, MeSH D015470, MONDO:0018874, OMIM 601626, HP:0004808. Disease mechanism: Constitutively activated FLT3.
Hereditary thrombocytopenia and hematologic cancer predisposition syndrome. Identifiers: Orphanet 71290, MedGen CN281654, MONDO:0011071.
Hereditary thrombocytopenia and hematological cancer predisposition syndrome associated with RUNX1. Also called: PLATELET DISORDER, ASPIRIN-LIKE; Familial thrombocytopenia with propensity to acute myelogenous leukemia; Familial Platelet Disorder with Propensity to Acute Myelogenous Leukemia; RUNX1 Familial Platelet Disorder with Associated Myeloid Malignancies. Identifiers: Orphanet 71290, MedGen C1832388, MeSH C563324, MONDO:0100083, OMIM 601399.

Allele frequency attached by ClinVar (database versions not stated): gnomAD 0.00001; gnomAD exomes 0.00001 and 0.00004; TOPMed 0.00001; ExAC 0.00002.
gnomAD v4.1: 61 of 1,614,036 alleles (0.0038%); highest among the groups gnomAD compares: Non-Finnish European, 0.005%; no homozygotes.

Submissions (4):

ClinGen Myeloid Malignancy Variant Curation Expert Panel
Classification: Likely benign for Hereditary thrombocytopenia and hematologic cancer predisposition syndrome. Last evaluated: 2024-09-11. Review status: reviewed by expert panel. Criteria: ClinGen MyeloMalig ACMG Specifications v2. Collection method: curation. Allele origin: germline. Inheritance: Autosomal dominant inheritance.
Comment: NM_001754.5(RUNX1):c.856C>A (p.Gln286Lys) is a missense variant which is predicted to cause substitution of glutamine by lysine at amino acid 286. The highest population minor allele frequency in gnomAD v2 is 0.00003096 (4/129198 alleles) in the non-Finnish European population (PM2_Supporting, BS1, and BA1 are not met). The germline variant has been reported in a patient with JMML but without features consistent with the RUNX1 phenotypic criteria (PMID: 20955399), and the variant of unclear origin was reported in a patient with cytopenia (PMID: 32241844). In vitro functional studies using HEK293T and HEL cells confirmed the expression of the mutant protein, and the variant demonstrated 80-115% transactivation activity for the CSF1R and MYL9 promoters (PMID: 35026845) (BS3_Supporting). This aligns with the computational predictor, REVEL, which gives a score of 0.152 that is below the threshold of 0.50 and, thus, evidence that does not predict a damaging effect on RUNX1 function; the splice site predictor, SpliceAI, which gives a score of <0.20, also indicates that the variant has no impact on splicing (BP4). In summary, this variant meets criteria to be classified as likely benign. ACMG/AMP criteria applied, as specified by the Myeloid Malignancy Variant Curation Expert Panel for RUNX1: BS3_supporting, BP4.

Labcorp Genetics (formerly Invitae), Labcorp
Classification: Uncertain significance for Hereditary thrombocytopenia and hematological cancer predisposition syndrome associated with RUNX1. Last evaluated: 2026-01-19. Review status: criteria provided, single submitter. Criteria: Invitae Variant Classification Sherloc (09022015). Collection method: clinical testing. Allele origin: germline. Not counted in ClinVar's aggregate classification.
Comment: This sequence change replaces glutamine, which is neutral and polar, with lysine, which is basic and polar, at codon 286 of the RUNX1 protein (p.Gln286Lys). This variant is present in population databases (rs769966051, gnomAD 0.004%). This missense change has been observed in individual(s) with juvenile myelomonocytic leukemia and neurofibromatosis type 1 (PMID: 20955399). ClinVar contains an entry for this variant (Variation ID: 575500). Invitae Evidence Modeling of protein sequence and biophysical properties (such as structural, functional, and spatial information, amino acid conservation, physicochemical variation, residue mobility, and thermodynamic stability) has been performed for this missense variant. However, the output from this modeling did not meet the statistical confidence thresholds required to predict the impact of this variant on RUNX1 protein function. In summary, the available evidence is currently insufficient to determine the role of this variant in disease. Therefore, it has been classified as a Variant of Uncertain Significance.

Ambry Genetics
Classification: Uncertain significance for Inborn genetic diseases. Last evaluated: 2025-02-14. Review status: criteria provided, single submitter. Criteria: Ambry Variant Classification Scheme 2023. Collection method: clinical testing. Allele origin: germline. Not counted in ClinVar's aggregate classification.
Comment: The p.Q286K variant (also known as c.856C>A), located in coding exon 7 of the RUNX1 gene, results from a C to A substitution at nucleotide position 856. The glutamine at codon 286 is replaced by lysine, an amino acid with similar properties. This amino acid position is well conserved in available vertebrate species. In addition, this alteration is predicted to be tolerated by in silico analysis. Based on the available evidence, the clinical significance of this variant remains unclear.

Baylor Genetics
Classification: Uncertain significance for Acute myeloid leukemia. Last evaluated: 2023-12-12. Review status: criteria provided, single submitter. Criteria: ACMG Guidelines, 2015. Collection method: clinical testing. Allele origin: unknown. Not counted in ClinVar's aggregate classification.

Literature cited by the submitters: PubMed 20955399 (cited by Labcorp Genetics (formerly Invitae), Labcorp).

NM_001754.5(RUNX1):c.856C>A (p.Gln286Lys)

Gene: RUNX1 (RUNX family transcription factor 1; minus strand). Cytogenetic location: 21q22.12.
Variant type: single nucleotide variant.
Coding change: c.856C>A on transcript NM_001754.5 (MANE Select); coding-DNA position 856, C replaced by A.
Protein change: p.Gln286Lys; replaces glutamine 286 with lysine.
Molecular consequence: missense variant.
Genome position (GRCh38, 1-based): chr21:34,799,412, G>T on the plus strand (C>A on the coding strand, the complement: RUNX1 is on the minus strand). VCF-style: chr21-34799412-G-T. GRCh37 (hg19) VCF-style: chr21-36171709-G-T.
Other names: NM_001754.5(RUNX1):c.856C>A; p.Gln286Lys; c.775C>A, p.Gln259Lys (NM_001001890.3); short protein forms Q286K, Q259K.
Identifiers: ClinVar variation 575500 (VCV000575500.12), dbSNP rs769966051, ClinGen allele CA10014280.